The following is an entry in ClinVar:

ClinVar aggregate classification (germline): Conflicting classifications of pathogenicity. Review status: criteria provided, conflicting classifications (1 of 4 stars). 4 submissions from 4 submitters: Likely pathogenic (3); Uncertain significance (1). Last evaluated 2024-08-22.

Conditions:
Hereditary leiomyomatosis and renal cell cancer. Also called: LEIOMYOMA, MULTIPLE CUTANEOUS; Reed syndrome; Multiple cutaneous and uterine leiomyomatosis; Cutaneous leiomyomata with uterine leiomyomata; Leiomyoma, hereditary multiple, of skin; Multiple cutaneous and uterine leiomyomata. Identifiers: Orphanet 523, MedGen C1708350, MONDO:0007888, OMIM 150800, HP:0007437. Disease mechanism: loss of function.
Hereditary cancer-predisposing syndrome. Also called: Tumor predisposition; Hereditary Cancer Syndrome; Hereditary neoplastic syndrome; Neoplastic Syndromes, Hereditary. Identifiers: Orphanet 140162, MedGen C0027672, MeSH D009386, MONDO:0015356.

Submissions (4):

St. Jude Molecular Pathology, St. Jude Children's Research Hospital
Classification: Likely pathogenic for Hereditary leiomyomatosis and renal cell cancer. Last evaluated: 2024-08-22. Review status: criteria provided, single submitter. Criteria: St. Jude Assertion Criteria 2020. Collection method: clinical testing. Allele origin: germline.
Comment: The FH c.774_794dup (p.Thr260_Met266dup) change duplicates twenty-one nucleotides at positions 774-794, resulting in an in-frame duplication of seven amino acid residues. This variant is absent in gnomAD v2.1.1. This variant has been reported in individuals with phenotypes consistent with FH-related disease (external communication). In summary, this variant meets criteria to be classified as likely pathogenic.

Ambry Genetics
Classification: Likely pathogenic for Hereditary cancer-predisposing syndrome. Last evaluated: 2023-09-29. Review status: criteria provided, single submitter. Criteria: Ambry Variant Classification Scheme 2023. Collection method: clinical testing. Allele origin: germline.
Comment: The c.774_794dup21 variant (also known as p.T260_M266dupTRIKAAM), located in coding exon 6 of the FH gene, results from an in-frame duplication of 21 nucleotides at nucleotide positions 774 to 794. This results in the duplication of the 7 residues (TRIKAAM) in codons 260 through 266. This alteration has been observed in at least one individual with a personal and/or family history that is consistent with FH-related disease (Ambry internal data; personal communication). Based on internal structural assessment, this alteration results in disruption of the structure near the oligomerization interface (Ambry internal data; Ajalla Aleixo MA et al. FEBS J. 2019 05;286(10):1925-1940). This amino acid region is well conserved in available vertebrate species. This variant is considered to be rare based on population cohorts in the Genome Aggregation Database (gnomAD). Based on the majority of available evidence to date, this variant is likely to be pathogenic.

Labcorp Genetics (formerly Invitae), Labcorp
Classification: Uncertain significance. Last evaluated: 2022-10-16. Review status: criteria provided, single submitter. Criteria: Invitae Variant Classification Sherloc (09022015). Collection method: clinical testing. Allele origin: germline.
Comment: ClinVar contains an entry for this variant (Variation ID: 214396). This variant, c.774_794dup, results in the insertion of 7 amino acid(s) of the FH protein (p.Thr260_Met266dup), but otherwise preserves the integrity of the reading frame. This variant is not present in population databases (gnomAD no frequency). This variant has not been reported in the literature in individuals affected with FH-related conditions. In summary, the available evidence is currently insufficient to determine the role of this variant in disease. Therefore, it has been classified as a Variant of Uncertain Significance.

GeneDx
Classification: Likely pathogenic. Last evaluated: 2014-07-21. Review status: criteria provided, single submitter. Criteria: GeneDx Variant Classification (06012015). Collection method: clinical testing. Allele origin: germline. Affected: yes.
Comment: A likely disease-causing variant, c.774_794dupAATGACAAGAATAAAAGCTGC, has been identified in the FH gene. This variant has not been published as a mutation, nor has it been reported as a benign polymorphism to our knowledge. The c.774_794dupAATGACAAGAATAAAAGCTGC variant is an in-frame duplication of 7 amino acids and is not expected to result in protein truncation or nonsense-mediated mRNA decay. Five of the seven duplicated residues are highly conserved through mammals and are not within any known functional domain in the FH protein. Missense mutations within the duplicated residues (R261I) and in nearby residues (L244R, Q254R, A274P, A274T, G275E) have been reported in association with hereditary leiomyomatosis and renal cell cancer and fumarate hydratase deficiency, supporting the functional importance of this region of the protein. The c.774_794dupAATGACAAGAATAAAAGCTGC variant was not observed in approximately 6,500 samples from individuals of European and African American backgrounds in the NHLBI Exome Sequencing Project, indicating it is not a common benign variant in these populations. Therefore, c.774_794dupAATGACAAGAATAAAAGCTGC is a strong candidate for a disease-causing mutation, although the possibility that is a rare benign variant cannot be completely excluded. The variant is found in FH panel(s).

Literature cited by the submitters: PubMed 30761759 (cited by Ambry Genetics).

NM_000143.4(FH):c.774_794dup (p.Thr260_Met266dup)

Gene: FH (fumarate hydratase; minus strand). Cytogenetic location: 1q43.
Variant type: Duplication.
Coding change: c.774_794dup on transcript NM_000143.4 (MANE Select); coding-DNA positions 774 to 794, 21 bases duplicated (AATGACAAGAATAAAAGCTGC).
Protein change: p.Thr260_Met266dup.
Molecular consequence: inframe insertion.
Genome position (GRCh38, 1-based): chr1:241,506,113-241,506,133, GCAGCTTTTATTCTTGTCATT duplicated on the plus strand (AATGACAAGAATAAAAGCTGC on the coding strand, the reverse complement: FH is on the minus strand); duplicating any 21 consecutive bases within chr1:241,506,113-241,506,136 gives the same sequence; the c. name uses the placement nearest the transcript's 3' end. VCF-style (leftmost placement, unchanged base first): chr1-241506112-G-GGCAGCTTTTATTCTTGTCATT. GRCh37 (hg19) VCF-style: chr1-241669412-G-GGCAGCTTTTATTCTTGTCATT.
Other names: c.774_794dup (NM_000143.3); c.774_794dupAATGACAAGAATAAAAGCTGC (NM_000143.3).
Identifiers: ClinVar variation 214396 (VCV000214396.9), dbSNP rs863223984, ClinGen allele CA324272.
Genomic context (GRCh38, chr1:241,506,112, plus strand): 5'-AGTATTTAAACCTGTACCAACAGCAGTGCCTCCAGCTGCGAGCTCATAGATTCTTGGCAT[G>GGCAGCTTTTATTCTTGTCATT]GCAGCTTTTATTCTTGTCATTGCATATTTTACTTGTTGAACATAACCACTAAATTCCTGA-3'